The following is an entry in ClinVar:

ClinVar aggregate classification (germline): Uncertain significance (1 of 4 stars; one submission).

Conditions:
MHC class II deficiency. Also called: Bare lymphocyte syndrome 2; BLS, TYPE II. Identifiers: Orphanet 572, MedGen C5447452, MONDO:0008855.

Allele frequency attached by ClinVar (database versions not stated): TOPMed below 0.00001; gnomAD exomes 0.00001; ExAC 0.00002.
gnomAD v4.1: 11 of 1,614,224 alleles (0.00068%); highest among the groups gnomAD compares: South Asian, 0.0066%; 1 homozygote.

Submission:

Labcorp Genetics (formerly Invitae), Labcorp
Classification: Uncertain significance for MHC class II deficiency. Last evaluated: 2024-12-16. Review status: criteria provided, single submitter. Criteria: Invitae Variant Classification Sherloc (09022015). Collection method: clinical testing. Allele origin: germline.
Comment: This sequence change replaces glutamic acid, which is acidic and polar, with lysine, which is basic and polar, at codon 1062 of the CIITA protein (p.Glu1062Lys). This variant is present in population databases (rs777187047, gnomAD 0.01%), including at least one homozygous and/or hemizygous individual. This variant has not been reported in the literature in individuals affected with CIITA-related conditions. ClinVar contains an entry for this variant (Variation ID: 2150193). An algorithm developed to predict the effect of missense changes on protein structure and function outputs the following: PolyPhen-2: "Benign". The lysine amino acid residue is found in multiple mammalian species, which suggests that this missense change does not adversely affect protein function. In summary, the available evidence is currently insufficient to determine the role of this variant in disease. Therefore, it has been classified as a Variant of Uncertain Significance.

NM_000246.4(CIITA):c.3184G>A (p.Glu1062Lys)

Gene: CIITA (class II major histocompatibility complex transactivator; plus strand). Cytogenetic location: 16p13.13.
Variant type: single nucleotide variant.
Coding change: c.3184G>A on transcript NM_000246.4 (MANE Select); coding-DNA position 3184, G replaced by A.
Protein change: p.Glu1062Lys; replaces glutamic acid 1062 with lysine.
Molecular consequence: missense variant. On other transcripts: non-coding transcript variant (1).
Genome position (GRCh38, 1-based): chr16:10,922,201, G>A. VCF-style: chr16-10922201-G-A. GRCh37 (hg19) VCF-style: chr16-11016058-G-A.
Other names: c.3187G>A, p.Glu1063Lys (NM_001286402.1, NM_001379332.1); c.1432G>A, p.Glu478Lys (NM_001286403.2); c.3040G>A, p.Glu1014Lys (NM_001379330.1); c.3037G>A, p.Glu1013Lys (NM_001379331.1); c.3184G>A, p.Glu1062Lys (NM_001379333.1); c.3115G>A, p.Glu1039Lys (NM_001379334.1); short protein forms E1039K, E1062K, E478K, E1013K, E1014K, E1063K.
Identifiers: ClinVar variation 2150193 (VCV002150193.2), dbSNP rs777187047, ClinGen allele CA7900720.